The following is an entry in ClinVar:

NM_020041.3(SLC2A9):c.844G>A (p.Val282Ile)

Gene: SLC2A9 (solute carrier family 2 member 9; minus strand). Cytogenetic location: 4p16.1.
Variant type: single nucleotide variant.
Coding change: c.844G>A on transcript NM_020041.3 (MANE Select); coding-DNA position 844, G replaced by A.
Protein change: p.Val282Ile; replaces valine 282 with isoleucine.
Molecular consequence: missense variant.
Genome position (GRCh38, 1-based): chr4:9,920,543, C>T on the plus strand (G>A on the coding strand, the complement: SLC2A9 is on the minus strand). VCF-style: chr4-9920543-C-T. GRCh37 (hg19) VCF-style: chr4-9922167-C-T.
Other names: c.757G>A, p.Val253Ile (NM_001001290.2); short protein forms V253I, V282I.
Identifiers: ClinVar variation 350215 (VCV000350215.20), dbSNP rs16890979, ClinGen allele CA2857057.
Genomic context (GRCh38, chr4:9,920,543, plus strand): 5'-CCAGGCGGATGCTCCTCTGCACGCGGCTCTCAGCCAGGACCTCCTCTACCTCTTGGGAAA[C>T]GTCTGCTTTACCCAAGAACGTTTGGAAGGCTGCAAACAGAGGCACACATGGACTTTCAGC-3'
Protein context (NP_064425.2, residues 272-292): AFQTFLGKAD[Val282Ile]SQEVEEVLAE

ClinVar aggregate classification (germline): Benign. Review status: criteria provided, multiple submitters, no conflicts (2 of 4 stars). 7 submissions from 7 submitters: Benign (7). Last evaluated 2026-02-04.

Conditions:
Hypouricemia, renal, 2. Also called: HYPOURICEMIA, RENAL, 2, AUTOSOMAL DOMINANT; HYPOURICEMIA, RENAL, 2, AUTOSOMAL RECESSIVE. Identifiers: MedGen C2677549, MONDO:0012793, OMIM 612076.

Allele frequency attached by ClinVar (database versions not stated): gnomAD exomes 0.22355 and 0.24346; ExAC 0.23949; 1000 Genomes Project 0.26378; 1000 Genomes Project 30x 0.27280; gnomAD 0.28340 and 0.28912; ESP Exome Variant Server 0.28633; TOPMed 0.30008.
gnomAD v4.1: 370,036 of 1,613,968 alleles (23%); highest among the groups gnomAD compares: African/African-American, 43%; 46,504 homozygotes.

Submissions (7):

Labcorp Genetics (formerly Invitae), Labcorp
Classification: Benign. Last evaluated: 2026-02-04. Review status: criteria provided, single submitter. Criteria: Invitae Variant Classification Sherloc (09022015). Collection method: clinical testing. Allele origin: germline.

Blueprint Genetics
Classification: Benign. Last evaluated: 2024-11-26. Review status: criteria provided, single submitter. Criteria: ACMG Guidelines, 2015. Collection method: clinical testing. Allele origin: germline.

Mayo Clinic Laboratories, Mayo Clinic
Classification: Benign. Last evaluated: 2022-09-23. Review status: criteria provided, single submitter. Criteria: ACMG Guidelines, 2015. Collection method: clinical testing. Allele origin: germline. Observed: 85 variant alleles.
Comment: BA1, BP4

Fulgent Genetics
Classification: Benign for Hypouricemia, renal, 2. Last evaluated: 2021-07-07. Review status: criteria provided, single submitter. Criteria: ACMG Guidelines, 2015. Collection method: clinical testing. Allele origin: unknown.

GeneDx
Classification: Benign. Last evaluated: 2019-08-20. Review status: criteria provided, single submitter. Criteria: GeneDx Variant Classification Process June 2021. Collection method: clinical testing. Allele origin: germline. Affected: yes.
Comment: This variant is associated with the following publications: (PMID: 32514006, 18759275, 30315176, 29958533, 28508493, 18834626)

Illumina Laboratory Services, Illumina
Classification: Benign for Hypouricemia, renal, 2. Last evaluated: 2018-03-06. Review status: criteria provided, single submitter. Criteria: ICSL Variant Classification Criteria 13 December 2019. Collection method: clinical testing. Allele origin: germline.
Comment: This variant was observed in the ICSL laboratory as part of a predisposition screen in an ostensibly healthy population. It had not been previously curated by ICSL or reported in the Human Gene Mutation Database (HGMD: prior to June 1st, 2018), and was therefore a candidate for classification through an automated scoring system. Utilizing variant allele frequency, disease prevalence and penetrance estimates, and inheritance mode, an automated score was calculated to assess if this variant is too frequent to cause the disease. Based on the score and internal cut-off values, a variant classified as benign is not then subjected to further curation. The score for this variant resulted in a classification of benign for this disease.

Breakthrough Genomics
Classification: Benign. Review status: criteria provided, single submitter. Criteria: ACMG Guidelines, 2015. Collection method: not provided. Allele origin: germline. Inheritance: Autosomal dominant inheritance. Affected: yes.